The following is an entry in ClinVar:

ClinVar aggregate classification (germline): Uncertain significance (1 of 4 stars; one submission).

Submission:

Ambry Genetics
Classification: Uncertain significance. Last evaluated: 2025-07-09. Review status: criteria provided, single submitter. Criteria: Ambry Variant Classification Scheme 2023. Collection method: clinical testing. Allele origin: germline.
Comment: The p.S149W variant (also known as c.446C>G), located in coding exon 1 of the PALLD gene, results from a C to G substitution at nucleotide position 446. The serine at codon 149 is replaced by tryptophan, an amino acid with highly dissimilar properties. This amino acid position is conserved. In addition, the in silico prediction for this alteration is inconclusive. Based on the available evidence, the clinical significance of this variant remains unclear.

NM_001166108.2(PALLD):c.1965-12585C>G

Gene: PALLD (palladin, cytoskeletal associated protein; plus strand). Cytogenetic location: 4q32.3.
Variant type: single nucleotide variant.
Coding change: c.1965-12585C>G on transcript NM_001166108.2 (MANE Select); 12585 bases into the intron before coding-DNA position 1965, C replaced by G.
Molecular consequence: intron variant. On other transcripts: missense variant (1).
Genome position (GRCh38, 1-based): chr4:168,878,337, C>G. VCF-style: chr4-168878337-C-G. GRCh37 (hg19) VCF-style: chr4-169799488-C-G.
Other names: c.446C>G, p.Ser149Trp (NM_001166110.2); c.1965-12585C>G (NM_016081.4); c.819-12585C>G (NM_001166109.2); c.-157-12585C>G (NM_001367570.1, NM_001367568.1, NM_001367567.1 and 1 more transcripts); short protein forms S149W.
Identifiers: ClinVar variation 4130400 (VCV004130400.1).